The following is an entry in ClinVar:

ClinVar aggregate classification (germline): Likely benign (1 of 4 stars; one submission).

Allele frequency attached by ClinVar (database versions not stated): TOPMed 0.00007; ESP Exome Variant Server 0.00008; gnomAD 0.00011; gnomAD exomes 0.00011; ExAC 0.00021.
gnomAD v4.1: 180 of 1,613,382 alleles (0.011%); highest among the groups gnomAD compares: Non-Finnish European, 0.013%; no homozygotes.

Submission:

CeGaT Center for Human Genetics Tuebingen
Classification: Likely benign. Last evaluated: 2024-02-01. Review status: criteria provided, single submitter. Criteria: CeGaT Center For Human Genetics Tuebingen Variant Classification Criteria Version 2. Collection method: clinical testing. Allele origin: germline. Affected: yes. Observed: 1 variant allele.
Comment: CFAP91: BP4, BP7

NM_033364.4(CFAP91):c.159T>C (p.His53=)

Gene: CFAP91 (cilia and flagella associated protein 91; plus strand). Cytogenetic location: 3q13.33.
Variant type: single nucleotide variant.
Coding change: c.159T>C on transcript NM_033364.4 (MANE Select); coding-DNA position 159, T replaced by C.
Protein change: p.His53=; no amino-acid change (histidine 53 retained).
Molecular consequence: synonymous variant. On other transcripts: intron variant (2).
Genome position (GRCh38, 1-based): chr3:119,706,843, T>C. VCF-style: chr3-119706843-T-C. GRCh37 (hg19) VCF-style: chr3-119425690-T-C.
Other names: c.99T>C, p.His33= (NM_001320316.2); c.16-561T>C (NM_001320317.2); c.-19-1748T>C (NM_001320318.2).
Identifiers: ClinVar variation 3025363 (VCV003025363.22), dbSNP rs368173878, ClinGen allele CA2556898.
Genomic context (GRCh38, chr3:119,706,843, plus strand): 5'-ATGCTACTTGATTGTTTATTTTGCAGATCCATTGTTTATTGTGTCAAGTGAGAAAGACCA[T>C]ACACAGGCAAATATCCAAGCTACCCTGATTCGCAGCAGACTGGTATGTCTAATTCATCAG-3'
Protein context (NP_203528.3, residues 43-63): PLFIVSSEKD[His53=]TQANIQATLI